The following is an entry in ClinVar:

NM_004991.4(MECOM):c.613+1G>C

Gene: MECOM (MDS1 and EVI1 complex locus; minus strand). Cytogenetic location: 3q26.2.
Variant type: single nucleotide variant.
Coding change: c.613+1G>C on transcript NM_004991.4 (MANE Select); the canonical splice donor site of the intron after coding-DNA position 613, G replaced by C.
Molecular consequence: splice donor variant.
Genome position (GRCh38, 1-based): chr3:169,131,428, C>G on the plus strand (G>C on the coding strand, the complement: MECOM is on the minus strand). VCF-style: chr3-169131428-C-G. GRCh37 (hg19) VCF-style: chr3-168849216-C-G.
Other names: c.49+1G>C (NM_001205194.2, NM_001366474.2, NM_001164000.2 and 9 more transcripts); c.613+1G>C (NM_001366473.2, NM_001366466.2); c.241+1G>C (NM_001105077.4).
Identifiers: ClinVar variation 3633042 (VCV003633042.2).
Genomic context (GRCh38, chr3:169,131,428, plus strand): 5'-CGATGCTACTTTATAGTCGCGATGATAAGGTGATAAGGAGGGTGGCGTGAGTGGTACTAA[C>G]CGTGGATATCCGGCGCCATAGTTTCATGGGGATAGTCTTCGCTCTTCATGAACAGCAGAA-3'

ClinVar aggregate classification (germline): Likely pathogenic (1 of 4 stars; one submission).

Submission:

Labcorp Genetics (formerly Invitae), Labcorp
Classification: Likely pathogenic. Last evaluated: 2024-01-29. Review status: criteria provided, single submitter. Criteria: Invitae Variant Classification Sherloc (09022015). Collection method: clinical testing. Allele origin: germline.
Comment: This sequence change affects a donor splice site in intron 3 of the MECOM gene. It is expected to disrupt RNA splicing. Variants that disrupt the donor or acceptor splice site typically lead to a loss of protein function (PMID: 16199547), and loss-of-function variants in MECOM are known to be pathogenic (PMID: 29540340). This variant is not present in population databases (gnomAD no frequency). This variant has not been reported in the literature in individuals affected with MECOM-related conditions. Algorithms developed to predict the effect of sequence changes on RNA splicing suggest that this variant may disrupt the consensus splice site. In summary, the currently available evidence indicates that the variant is pathogenic, but additional data are needed to prove that conclusively. Therefore, this variant has been classified as Likely Pathogenic.

Literature cited by the submitters: PubMed 16199547; PubMed 29540340.